The following is an entry in ClinVar:

ClinVar aggregate classification (germline): Uncertain significance (1 of 4 stars; one submission).

Conditions:
Familial thoracic aortic aneurysm and aortic dissection (TAAD). Also called: Thoracic aortic aneurysms and dissections. Identifiers: Orphanet 91387, MedGen C4707243, MONDO:0019625.
Hereditary cancer-predisposing syndrome. Also called: Hereditary Cancer Syndrome; Hereditary neoplastic syndrome; Neoplastic Syndromes, Hereditary; Tumor predisposition. Identifiers: Orphanet 140162, MedGen C0027672, MeSH D009386, MONDO:0015356.

Submission:

Ambry Genetics
Classification: Uncertain significance for Hereditary cancer-predisposing syndrome; Familial thoracic aortic aneurysm and aortic dissection. Last evaluated: 2026-08-11. Review status: criteria provided, single submitter. Criteria: Ambry Variant Classification Scheme 2023. Collection method: clinical testing. Allele origin: germline.
Comment: The p.A481P variant (also known as c.1441G>C), located in coding exon 10 of the SMAD4 gene, results from a G to C substitution at nucleotide position 1441. The alanine at codon 481 is replaced by proline, an amino acid with highly similar properties. This amino acid position is highly conserved in available vertebrate species. In addition, this alteration is predicted to be deleterious by in silico analysis. Based on the available evidence, the clinical significance of this variant remains unclear.

NM_005359.6(SMAD4):c.1441G>C (p.Ala481Pro)

Gene: SMAD4 (SMAD family member 4; plus strand). Cytogenetic location: 18q21.2.
Variant type: single nucleotide variant.
Coding change: c.1441G>C on transcript NM_005359.6 (MANE Select); coding-DNA position 1441, G replaced by C.
Protein change: p.Ala481Pro; replaces alanine 481 with proline.
Molecular consequence: missense variant.
Genome position (GRCh38, 1-based): chr18:51,076,770, G>C. VCF-style: chr18-51076770-G-C. GRCh37 (hg19) VCF-style: chr18-48603140-G-C.
Other names: c.1441G>C, p.Ala481Pro (NM_001407041.1, NM_001407042.1); short protein forms A481P.
Identifiers: ClinVar variation 1772714 (VCV001772714.3), dbSNP rs2144474709, ClinGen allele CA402465383.